The following is an entry in ClinVar:

NM_152296.5(ATP1A3):c.2051C>T (p.Ser684Phe)

Gene: ATP1A3 (ATPase Na+/K+ transporting subunit alpha 3; minus strand). Cytogenetic location: 19q13.2.
Variant type: single nucleotide variant.
Coding change: c.2051C>T on transcript NM_152296.5 (MANE Select); coding-DNA position 2051, C replaced by T.
Protein change: p.Ser684Phe; replaces serine 684 with phenylalanine.
Molecular consequence: missense variant.
Genome position (GRCh38, 1-based): chr19:41,976,459, G>A on the plus strand (C>T on the coding strand, the complement: ATP1A3 is on the minus strand). VCF-style: chr19-41976459-G-A. GRCh37 (hg19) VCF-style: chr19-42480611-G-A.
Other names: c.2051C>T (NM_152296.4); c.2084C>T, p.Ser695Phe (NM_001256213.2); c.2090C>T, p.Ser697Phe (NM_001256214.2); short protein forms S684F, S695F, S697F.
Identifiers: ClinVar variation 65759 (VCV000065759.12), dbSNP rs397515577, ClinGen allele CA345082.
Genomic context (GRCh38, chr19:41,976,459, plus strand): 5'-GCGGGAGCGCAGCCCACCTGTCTCTGACAGCCCTCCACAATGATGAGCTTCTGCTGGGGG[G>A]ATGTGCGGGCGAAGACGATCTCGGTGTGATTCTGCAGGATCTCGTCGATTTGCTCGGAGG-3'
Protein context (NP_689509.1, residues 674-694): NHTEIVFART[Ser684Phe]PQQKLIIVEG

ClinVar aggregate classification (germline): Conflicting classifications of pathogenicity. Review status: criteria provided, conflicting classifications (1 of 4 stars). 2 submissions from 2 submitters: Likely pathogenic (1); Uncertain significance (1). Last evaluated 2025-06-09.

Conditions:
Dystonia 12 (DYT12). Also called: Rapid-Onset Dystonia-Parkinsonism (RDP); DYT-ATP1A3. Identifiers: Orphanet 71517, MedGen C1868681, MONDO:0007496, OMIM 128235.

Submissions (2):

GeneDx
Classification: Uncertain significance. Last evaluated: 2025-06-09. Review status: criteria provided, single submitter. Criteria: GeneDx Variant Classification Process June 2021. Collection method: clinical testing. Allele origin: germline. Affected: yes.
Comment: Not observed at significant frequency in large population cohorts (gnomAD); In silico analysis supports that this missense variant has a deleterious effect on protein structure/function; Reported in a patient with rapid-onset dystonia-parkinsonism in published literature (PMID: 24523486, 19936820); This variant is associated with the following publications: (PMID: 24523486, 19936820)

Labcorp Genetics (formerly Invitae), Labcorp
Classification: Likely pathogenic for Dystonia 12. Last evaluated: 2020-08-14. Review status: criteria provided, single submitter. Criteria: Invitae Variant Classification Sherloc (09022015). Collection method: clinical testing. Allele origin: germline.
Comment: This sequence change replaces serine with phenylalanine at codon 684 of the ATP1A3 protein (p.Ser684Phe). The serine residue is highly conserved and there is a large physicochemical difference between serine and phenylalanine. This variant is not present in population databases (ExAC no frequency). This variant has been observed in individual(s) with rapid-onset dystonia-parkinsonism (PMID: 19936820, 24523486, Invitae). ClinVar contains an entry for this variant (Variation ID: 65759). Advanced modeling of protein sequence and biophysical properties (such as structural, functional, and spatial information, amino acid conservation, physicochemical variation, residue mobility, and thermodynamic stability) performed at Invitae indicates that this missense variant is expected to disrupt ATP1A3 protein function. In summary, the currently available evidence indicates that the variant is pathogenic, but additional data are needed to prove that conclusively. Therefore, this variant has been classified as Likely Pathogenic.

Literature cited by the submitters: PubMed 19936820 (cited by Labcorp Genetics (formerly Invitae), Labcorp); PubMed 24523486 (cited by Labcorp Genetics (formerly Invitae), Labcorp).